The following is an entry in ClinVar:

ClinVar aggregate classification (germline): Uncertain significance (1 of 4 stars; one submission).

Submission:

Labcorp Genetics (formerly Invitae), Labcorp
Classification: Uncertain significance. Last evaluated: 2021-11-10. Review status: criteria provided, single submitter. Criteria: Invitae Variant Classification Sherloc (09022015). Collection method: clinical testing. Allele origin: germline.
Comment: This variant is also known as p.Trp1339Arg. This missense change has been observed in individual(s) with autosomal recessive familial hyperinsulinism and/or congenital hyperinsulinism (PMID: 23275527; Invitae). This variant is not present in population databases (gnomAD no frequency). This sequence change replaces tryptophan, which is neutral and slightly polar, with arginine, which is basic and polar, at codon 1338 of the ABCC8 protein (p.Trp1338Arg). Advanced modeling of protein sequence and biophysical properties (such as structural, functional, and spatial information, amino acid conservation, physicochemical variation, residue mobility, and thermodynamic stability) performed at Invitae indicates that this missense variant is expected to disrupt ABCC8 protein function. In summary, the available evidence is currently insufficient to determine the role of this variant in disease. Therefore, it has been classified as a Variant of Uncertain Significance.

Literature cited by the submitters: PubMed 23275527.

NM_000352.6(ABCC8):c.4012T>C (p.Trp1338Arg)

Gene: ABCC8 (ATP binding cassette subfamily C member 8; minus strand). Cytogenetic location: 11p15.1.
Variant type: single nucleotide variant.
Coding change: c.4012T>C on transcript NM_000352.6 (MANE Select); coding-DNA position 4012, T replaced by C.
Protein change: p.Trp1338Arg; replaces tryptophan 1338 with arginine.
Molecular consequence: missense variant. On other transcripts: non-coding transcript variant (1).
Genome position (GRCh38, 1-based): chr11:17,397,023, A>G on the plus strand (T>C on the coding strand, the complement: ABCC8 is on the minus strand). VCF-style: chr11-17397023-A-G. GRCh37 (hg19) VCF-style: chr11-17418570-A-G.
Other names: c.4015T>C, p.Trp1339Arg (NM_001287174.3); c.4078T>C, p.Trp1360Arg (NM_001351295.2); c.4012T>C, p.Trp1338Arg (NM_001351296.2); c.4009T>C, p.Trp1337Arg (NM_001351297.2); short protein forms W1339R, W1360R, W1337R, W1338R.
Identifiers: ClinVar variation 1476628 (VCV001476628.6), dbSNP rs1554905805, ClinGen allele CA379791109.